The following is an entry in ClinVar:

NM_001364905.1(LRBA):c.4817G>T (p.Gly1606Val)

Gene: LRBA (LPS responsive beige-like anchor protein; minus strand). Cytogenetic location: 4q31.3.
Variant type: single nucleotide variant.
Coding change: c.4817G>T on transcript NM_001364905.1 (MANE Select); coding-DNA position 4817, G replaced by T.
Protein change: p.Gly1606Val; replaces glycine 1606 with valine.
Molecular consequence: missense variant.
Genome position (GRCh38, 1-based): chr4:150,828,534, C>A on the plus strand (G>T on the coding strand, the complement: LRBA is on the minus strand). VCF-style: chr4-150828534-C-A. GRCh37 (hg19) VCF-style: chr4-151749686-C-A.
Other names: c.4817G>T, p.Gly1606Val (NM_001199282.3, NM_001367550.1, NM_006726.5); short protein forms G1606V.
Identifiers: ClinVar variation 581730 (VCV000581730.7), dbSNP rs749320751, ClinGen allele CA3102640.

ClinVar aggregate classification (germline): Uncertain significance (1 of 4 stars; one submission).

Conditions:
Combined immunodeficiency due to LRBA deficiency. Also called: Common variable immunodeficiency 8, with autoimmunity. Identifiers: Orphanet 445018, MedGen C3553512, MONDO:0013863, OMIM 614700.

Allele frequency attached by ClinVar (database versions not stated): gnomAD exomes 0.00002 and 0.00006; gnomAD 0.00004; ExAC 0.00005; TOPMed 0.00006.
gnomAD v4.1: 93 of 1,614,004 alleles (0.0058%); highest among the groups gnomAD compares: Non-Finnish European, 0.0074%; no homozygotes.

Submission:

Labcorp Genetics (formerly Invitae), Labcorp
Classification: Uncertain significance for Combined immunodeficiency due to LRBA deficiency. Last evaluated: 2025-10-28. Review status: criteria provided, single submitter. Criteria: Invitae Variant Classification Sherloc (09022015). Collection method: clinical testing. Allele origin: germline.
Comment: This sequence change replaces glycine, which is neutral and non-polar, with valine, which is neutral and non-polar, at codon 1606 of the LRBA protein (p.Gly1606Val). This variant is present in population databases (rs749320751, gnomAD 0.006%). This variant has not been reported in the literature in individuals affected with LRBA-related conditions. ClinVar contains an entry for this variant (Variation ID: 581730). Invitae Evidence Modeling of protein sequence and biophysical properties (such as structural, functional, and spatial information, amino acid conservation, physicochemical variation, residue mobility, and thermodynamic stability) indicates that this missense variant is not expected to disrupt LRBA protein function with a negative predictive value of 80%. In summary, the available evidence is currently insufficient to determine the role of this variant in disease. Therefore, it has been classified as a Variant of Uncertain Significance.